The following is an entry in ClinVar:

ClinVar aggregate classification (germline): Benign/Likely benign. Review status: criteria provided, multiple submitters, no conflicts (2 of 4 stars). 3 submissions from 3 submitters: Benign (2); Likely benign (1). Last evaluated 2026-03-01.

Conditions:
Hereditary breast ovarian cancer syndrome. Also called: Hereditary breast and/or ovarian cancer syndrome; Hereditary breast and ovarian cancer; BRCA1- and BRCA2-Associated Hereditary Breast and Ovarian Cancer; Hereditary breast and ovarian cancer syndrome; Hereditary breast and ovarian cancer syndrome (HBOC); Breast and ovarian cancer. Identifiers: Orphanet 145, MedGen C0677776, MeSH D061325, MONDO:0003582. Disease mechanism: loss of function.

Allele frequency attached by ClinVar (database versions not stated): gnomAD exomes 0.00186 and 0.00456; ExAC 0.00537; gnomAD 0.01311 and 0.01397; TOPMed 0.01479; ESP Exome Variant Server 0.01553; 1000 Genomes Project 0.01737; 1000 Genomes Project 30x 0.01827.
gnomAD v4.1: 4,885 of 1,612,662 alleles (0.3%); highest among the groups gnomAD compares: African/African-American, 4.5%; 89 homozygotes.

Submissions (3):

CeGaT Center for Human Genetics Tuebingen
Classification: Benign. Last evaluated: 2026-03-01. Review status: criteria provided, single submitter. Criteria: CeGaT Center For Human Genetics Tuebingen Variant Classification Criteria Version 2. Collection method: clinical testing. Allele origin: germline. Affected: yes. Observed: 1 variant allele.
Comment: RAD54L: BP4, BP7, BS1, BS2

National Health Laboratory Service, Universitas Academic Hospital and University of the Free State
Classification: Likely benign for Hereditary breast ovarian cancer syndrome. Last evaluated: 2022-04-19. Review status: criteria provided, single submitter. Criteria: ACMG Guidelines, 2015. Collection method: clinical testing. Allele origin: germline. Affected: yes. Observed: 4 variant alleles.

Breakthrough Genomics
Classification: Benign. Review status: criteria provided, single submitter. Criteria: ACMG Guidelines, 2015. Collection method: not provided. Allele origin: germline. Inheritance: Autosomal dominant inheritance. Affected: yes.

NM_003579.4(RAD54L):c.1615T>C (p.Leu539=)

Gene: RAD54L (RAD54 like; plus strand). Cytogenetic location: 1p34.1.
Variant type: single nucleotide variant.
Coding change: c.1615T>C on transcript NM_003579.4 (MANE Select); coding-DNA position 1615, T replaced by C.
Protein change: p.Leu539=; no amino-acid change (leucine 539 retained).
Molecular consequence: synonymous variant.
Genome position (GRCh38, 1-based): chr1:46,274,142, T>C. VCF-style: chr1-46274142-T-C. GRCh37 (hg19) VCF-style: chr1-46739814-T-C.
Other names: NP_003570.2:p.Leu539=; c.1615T>C, p.Leu539= (NM_001142548.2); c.1075T>C, p.Leu359= (NM_001370766.1).
Identifiers: ClinVar variation 1678932 (VCV001678932.6), dbSNP rs17102097, ClinGen allele CA834675.
Genomic context (GRCh38, chr1:46,274,142, plus strand): 5'-TTTTTTCCCCCTAATCATTGAAGCTTTATTTTCTTGGGTCTCGAATCCCCCTTCAGGTAC[T>C]TATACGTCCGCCTGGATGGCACGATGTCCATTAAGAAGCGAGCCAAGGTTGTAGAACGCT-3'
Protein context (NP_003570.2, residues 529-549): FEKLCRARRY[Leu539=]YVRLDGTMSI